The following is an entry in ClinVar:

NM_000026.4(ADSL):c.770G>A (p.Ser257Asn)

Gene: ADSL (adenylosuccinate lyase; plus strand). Cytogenetic location: 22q13.1.
Variant type: single nucleotide variant.
Coding change: c.770G>A on transcript NM_000026.4 (MANE Select); coding-DNA position 770, G replaced by A.
Protein change: p.Ser257Asn; replaces serine 257 with asparagine.
Molecular consequence: missense variant. On other transcripts: non-coding transcript variant (1).
Genome position (GRCh38, 1-based): chr22:40,360,470, G>A. VCF-style: chr22-40360470-G-A. GRCh37 (hg19) VCF-style: chr22-40756474-G-A.
Other names: c.770G>A, p.Ser257Asn (NM_001123378.3, NM_001363840.3, NM_001410812.1 and 1 more transcripts); c.578G>A, p.Ser193Asn (NM_001317923.2); c.725G>A, p.Ser242Asn (NM_001410814.1); short protein forms S193N, S242N, S257N.
Identifiers: ClinVar variation 2196887 (VCV002196887.1), dbSNP rs746114979, ClinGen allele CA10247807.

ClinVar aggregate classification (germline): Uncertain significance (1 of 4 stars; one submission).

Conditions:
Adenylosuccinate lyase deficiency (ADSLD). Also called: ADSL DEFICIENCY. Identifiers: Orphanet 46, MedGen C0268126, MONDO:0007068, OMIM 103050.

Allele frequency attached by ClinVar (database versions not stated): ExAC 0.00001; TOPMed 0.00001.
gnomAD v4.1: 8 of 1,614,154 alleles (0.0005%); highest among the groups gnomAD compares: South Asian, 0.0033%; no homozygotes.

Submission:

Labcorp Genetics (formerly Invitae), Labcorp
Classification: Uncertain significance for Adenylosuccinate lyase deficiency. Last evaluated: 2022-04-07. Review status: criteria provided, single submitter. Criteria: Invitae Variant Classification Sherloc (09022015). Collection method: clinical testing. Allele origin: germline.
Comment: This sequence change replaces serine, which is neutral and polar, with asparagine, which is neutral and polar, at codon 257 of the ADSL protein (p.Ser257Asn). This variant is present in population databases (rs746114979, gnomAD 0.003%). This variant has not been reported in the literature in individuals affected with ADSL-related conditions. Advanced modeling of protein sequence and biophysical properties (such as structural, functional, and spatial information, amino acid conservation, physicochemical variation, residue mobility, and thermodynamic stability) performed at Invitae indicates that this missense variant is not expected to disrupt ADSL protein function. In summary, the available evidence is currently insufficient to determine the role of this variant in disease. Therefore, it has been classified as a Variant of Uncertain Significance.